The following is an entry in ClinVar:

NM_152305.3(POGLUT1):c.320_321insA (p.Cys108fs)

Gene: POGLUT1 (protein O-glucosyltransferase 1; plus strand). Cytogenetic location: 3q13.33.
Variant type: Insertion.
Coding change: c.320_321insA on transcript NM_152305.3 (MANE Select); coding-DNA positions 320 to 321, A inserted.
Protein change: p.Cys108fs; shifts the reading frame from cysteine 108.
Molecular consequence: frameshift variant. On other transcripts: non-coding transcript variant (1).
Genome position: GRCh38 VCF-style: chr3-119477312-G-GA. GRCh37 (hg19) VCF-style: chr3-119196159-G-GA.
Other names: c.321-1_321insA, p.Arg107(?) (NM_020231.3); short protein forms C108fs.
Identifiers: ClinVar variation 3027277 (VCV003027277.22), dbSNP rs2473027178, ClinGen allele CA2740094549.

ClinVar aggregate classification (germline): Pathogenic (1 of 4 stars; one submission).

Submission:

CeGaT Center for Human Genetics Tuebingen
Classification: Pathogenic. Last evaluated: 2024-02-01. Review status: criteria provided, single submitter. Criteria: CeGaT Center For Human Genetics Tuebingen Variant Classification Criteria Version 2. Collection method: clinical testing. Allele origin: germline. Affected: yes. Observed: 1 variant allele.
Comment: POGLUT1: PVS1, PM2